The following is an entry in ClinVar:

NM_020821.3(VPS13C):c.583C>A (p.Gln195Lys)

Gene: VPS13C (vacuolar protein sorting 13 homolog C; minus strand). Cytogenetic location: 15q22.2.
Variant type: single nucleotide variant.
Coding change: c.583C>A on transcript NM_020821.3 (MANE Select); coding-DNA position 583, C replaced by A.
Protein change: p.Gln195Lys; replaces glutamine 195 with lysine.
Molecular consequence: missense variant.
Genome position (GRCh38, 1-based): chr15:62,023,452, G>T on the plus strand (C>A on the coding strand, the complement: VPS13C is on the minus strand). VCF-style: chr15-62023452-G-T. GRCh37 (hg19) VCF-style: chr15-62315651-G-T.
Other names: c.583C>A, p.Gln195Lys (NM_001018088.3); c.454C>A, p.Gln152Lys (NM_017684.5, NM_018080.4); short protein forms Q152K, Q195K.
Identifiers: ClinVar variation 1388853 (VCV001388853.5), dbSNP rs201593231, ClinGen allele CA7597467.

ClinVar aggregate classification (germline): Uncertain significance (1 of 4 stars; one submission).

Allele frequency attached by ClinVar (database versions not stated): gnomAD 0.00007; gnomAD exomes 0.00012 and 0.00015; TOPMed 0.00016; ExAC 0.00024.
gnomAD v4.1: 180 of 1,574,436 alleles (0.011%); highest among the groups gnomAD compares: Admixed American, 0.06%; no homozygotes.

Submission:

Labcorp Genetics (formerly Invitae), Labcorp
Classification: Uncertain significance. Last evaluated: 2021-08-14. Review status: criteria provided, single submitter. Criteria: Invitae Variant Classification Sherloc (09022015). Collection method: clinical testing. Allele origin: germline.
Comment: This sequence change replaces glutamine with lysine at codon 195 of the VPS13C protein (p.Gln195Lys). The glutamine residue is highly conserved and there is a small physicochemical difference between glutamine and lysine. This variant is present in population databases (rs201593231, ExAC 0.1%). This variant has not been reported in the literature in individuals affected with VPS13C-related conditions. Algorithms developed to predict the effect of missense changes on protein structure and function are either unavailable or do not agree on the potential impact of this missense change (SIFT: "Deleterious"; PolyPhen-2: "Probably Damaging"; Align-GVGD: "Class C0"). In summary, the available evidence is currently insufficient to determine the role of this variant in disease. Therefore, it has been classified as a Variant of Uncertain Significance.